The following is an entry in ClinVar:

NM_145725.3(TRAF3):c.246C>G (p.Ser82Arg)

Gene: TRAF3 (TNF receptor associated factor 3; plus strand). Cytogenetic location: 14q32.32.
Variant type: single nucleotide variant.
Coding change: c.246C>G on transcript NM_145725.3 (MANE Select); coding-DNA position 246, C replaced by G.
Protein change: p.Ser82Arg; replaces serine 82 with arginine.
Molecular consequence: missense variant.
Genome position (GRCh38, 1-based): chr14:102,871,917, C>G. VCF-style: chr14-102871917-C-G. GRCh37 (hg19) VCF-style: chr14-103338254-C-G.
Other names: c.246C>G, p.Ser82Arg (NM_001199427.2, NM_001385142.1, NM_001385143.1 and 2 more transcripts); short protein forms S82R.
Identifiers: ClinVar variation 2058977 (VCV002058977.4), dbSNP rs146435455, ClinGen allele CA7359204.

ClinVar aggregate classification (germline): Uncertain significance (1 of 4 stars; one submission).

Conditions:
Immunodeficiency 132A. Also called: Herpes simplex encephalitis, susceptibility to, 3. Identifiers: Orphanet 1930, MedGen C3553868, MONDO:0013920, OMIM 614849.

Allele frequency attached by ClinVar (database versions not stated): ExAC 0.00002; gnomAD 0.00002; gnomAD exomes 0.00002; TOPMed 0.00002; ESP Exome Variant Server 0.00023.
gnomAD v4.1: 30 of 1,614,018 alleles (0.0019%); highest among the groups gnomAD compares: Non-Finnish European, 0.0024%; no homozygotes.

Submission:

Labcorp Genetics (formerly Invitae), Labcorp
Classification: Uncertain significance for Immunodeficiency 132A. Last evaluated: 2025-04-08. Review status: criteria provided, single submitter. Criteria: Invitae Variant Classification Sherloc (09022015). Collection method: clinical testing. Allele origin: germline.
Comment: This sequence change replaces serine, which is neutral and polar, with arginine, which is basic and polar, at codon 82 of the TRAF3 protein (p.Ser82Arg). This variant is present in population databases (rs146435455, gnomAD 0.004%). This variant has not been reported in the literature in individuals affected with TRAF3-related conditions. ClinVar contains an entry for this variant (Variation ID: 2058977). An algorithm developed to predict the effect of missense changes on protein structure and function (PolyPhen-2) suggests that this variant is likely to be tolerated. In summary, the available evidence is currently insufficient to determine the role of this variant in disease. Therefore, it has been classified as a Variant of Uncertain Significance.